The following is an entry in ClinVar:

NM_000260.4(MYO7A):c.5327C>T (p.Ala1776Val)

Gene: MYO7A (myosin VIIA; plus strand). Cytogenetic location: 11q13.5.
Variant type: single nucleotide variant.
Coding change: c.5327C>T on transcript NM_000260.4 (MANE Select); coding-DNA position 5327, C replaced by T.
Protein change: p.Ala1776Val; replaces alanine 1776 with valine.
Molecular consequence: missense variant.
Genome position (GRCh38, 1-based): chr11:77,204,076, C>T. VCF-style: chr11-77204076-C-T. GRCh37 (hg19) VCF-style: chr11-76915121-C-T.
Other names: c.5213C>T, p.Ala1738Val (NM_001127180.2); c.5180C>T, p.Ala1727Val (NM_001369365.1); short protein forms A1727V, A1738V, A1776V.
Identifiers: ClinVar variation 2442700 (VCV002442700.3), dbSNP rs762495881, ClinGen allele CA6198685.

ClinVar aggregate classification (germline): Uncertain significance. Review status: criteria provided, multiple submitters, no conflicts (2 of 4 stars). 2 submissions from 2 submitters: Uncertain significance (2). Last evaluated 2024-03-05.

Allele frequency attached by ClinVar (database versions not stated): gnomAD 0.00001; gnomAD exomes 0.00001; TOPMed 0.00001; ExAC 0.00004.

Submissions (2):

Labcorp Genetics (formerly Invitae), Labcorp
Classification: Uncertain significance. Last evaluated: 2024-03-05. Review status: criteria provided, single submitter. Criteria: Invitae Variant Classification Sherloc (09022015). Collection method: clinical testing. Allele origin: germline.
Comment: This sequence change replaces alanine, which is neutral and non-polar, with valine, which is neutral and non-polar, at codon 1776 of the MYO7A protein (p.Ala1776Val). The frequency data for this variant in the population databases is considered unreliable, as metrics indicate poor data quality at this position in the gnomAD database. This variant has not been reported in the literature in individuals affected with MYO7A-related conditions. ClinVar contains an entry for this variant (Variation ID: 2442700). An algorithm developed to predict the effect of missense changes on protein structure and function (PolyPhen-2) suggests that this variant is likely to be tolerated. In summary, the available evidence is currently insufficient to determine the role of this variant in disease. Therefore, it has been classified as a Variant of Uncertain Significance.

GeneDx
Classification: Uncertain significance. Last evaluated: 2022-08-30. Review status: criteria provided, single submitter. Criteria: GeneDx Variant Classification Process June 2021. Collection method: clinical testing. Allele origin: germline. Affected: yes.
Comment: In silico analysis supports that this missense variant has a deleterious effect on protein structure/function; Has not been previously published as pathogenic or benign to our knowledge